The following is an entry in ClinVar:

NM_022124.6(CDH23):c.6555G>T (p.Glu2185Asp)

Gene: CDH23 (cadherin related 23; plus strand). Cytogenetic location: 10q22.1.
Variant type: single nucleotide variant.
Coding change: c.6555G>T on transcript NM_022124.6 (MANE Select); coding-DNA position 6555, G replaced by T.
Protein change: p.Glu2185Asp; replaces glutamic acid 2185 with aspartic acid.
Molecular consequence: missense variant.
Genome position (GRCh38, 1-based): chr10:71,793,483, G>T. VCF-style: chr10-71793483-G-T. GRCh37 (hg19) VCF-style: chr10-73553240-G-T.
Other names: short protein forms E2185D.
Identifiers: ClinVar variation 1064609 (VCV001064609.10), dbSNP rs2132954257, ClinGen allele CA377155305.
Genomic context (GRCh38, chr10:71,793,483, plus strand): 5'-TGACATCAATGACTCCCGCCCCGAGTTCCTCAACCCCATCCAGACAGTGAGCGTGCTGGA[G>T]TCGGCTGAGCCAGGCACTGTCATTGCCAATATCACGGCCATTGACCACGACCTCAACCCA-3'
Protein context (NP_071407.4, residues 2175-2195): LNPIQTVSVL[Glu2185Asp]SAEPGTVIAN

ClinVar aggregate classification (germline): Conflicting classifications of pathogenicity. Review status: criteria provided, conflicting classifications (1 of 4 stars). 4 submissions from 4 submitters: Likely pathogenic (2); Uncertain significance (2). Last evaluated 2022-08-01.

Conditions:
Usher syndrome type 1D (USH1D). Also called: USHER SYNDROME, TYPE ID. Identifiers: Orphanet 231169, Orphanet 886, MedGen C1832845, MONDO:0010984, OMIM 601067.
Autosomal recessive nonsyndromic hearing loss 12. Also called: DEAFNESS, AUTOSOMAL RECESSIVE 12. Identifiers: Orphanet 90636, MedGen C1832394, MONDO:0011067, OMIM 601386.

Allele frequency attached by ClinVar (database versions not stated): gnomAD exomes 0.00001.
gnomAD v4.1: 9 of 1,614,000 alleles (0.00056%); highest among the groups gnomAD compares: Non-Finnish European, 0.00076%; no homozygotes.

Submissions (4):

Labcorp Genetics (formerly Invitae), Labcorp
Classification: Uncertain significance. Last evaluated: 2022-08-01. Review status: criteria provided, single submitter. Criteria: Invitae Variant Classification Sherloc (09022015). Collection method: clinical testing. Allele origin: germline.
Comment: This sequence change replaces glutamic acid, which is acidic and polar, with aspartic acid, which is acidic and polar, at codon 2185 of the CDH23 protein (p.Glu2185Asp). This variant is not present in population databases (gnomAD no frequency). This variant has not been reported in the literature in individuals affected with CDH23-related conditions. ClinVar contains an entry for this variant (Variation ID: 1064609). Algorithms developed to predict the effect of missense changes on protein structure and function are either unavailable or do not agree on the potential impact of this missense change (SIFT: "Deleterious"; PolyPhen-2: "Not Available"; Align-GVGD: "Class C35"). In summary, the available evidence is currently insufficient to determine the role of this variant in disease. Therefore, it has been classified as a Variant of Uncertain Significance.

Blueprint Genetics
Classification: Uncertain significance. Last evaluated: 2021-12-04. Review status: criteria provided, single submitter. Criteria: ACMG Guidelines, 2015. Collection method: clinical testing. Allele origin: germline.

Victorian Clinical Genetics Services, Murdoch Childrens Research Institute
Classification: Likely pathogenic for Usher syndrome type 1D. Last evaluated: 2020-07-02. Review status: criteria provided, single submitter. Criteria: ACMG Guidelines, 2015. Collection method: clinical testing. Allele origin: germline. Inheritance: Autosomal recessive inheritance. Affected: yes.
Comment: Based on the classification scheme VCGS_Germline_v1.3.3, this variant is classified as Likely Pathogenic. Following criteria are met: 0102 - Loss of function is a known mechanism of disease in this gene and is associated with deafness and Usher syndrome. (I) 0106 - This gene is associated with autosomal recessive disease. (I) 0200 - Variant is predicted to result in a missense amino acid change from glutamic acid to aspartic acid. (I) 0219 - This variant is non-coding in an alternative transcript. The variant is non-coding in all transcripts, except for the most clinically relevant (ClinVar, UCSC). (I) 0251 - This variant is heterozygous. (I) 0301 - Variant is absent from gnomAD (both v2 and v3). (SP) 0501 - Missense variant consistently predicted to be damaging by multiple in silico tools or highly conserved with a major amino acid change. (SP) 0600 - Variant is located at a calcium binding residue in the annotated cadherin 21 repeat domain (NCBI, PDB). (I) 0705 - No comparable missense variants have previous evidence for pathogenicity. (I) 0807 - This variant has no previous evidence of pathogenicity. (I) 0905 - No published segregation evidence has been identified for this variant. (I) 1007 - No published functional evidence has been identified for this variant. (I) 1201 - Heterozygous variant detected in trans with a second pathogenic heterozygous variant (c.1291-1G>A) in a recessive disease. (I) Legend: (SP) - Supporting pathogenic, (I) - Information, (SB) - Supporting benign

Kids Neuroscience Centre, Sydney Children's Hospitals Network
Classification: Likely pathogenic for Autosomal recessive nonsyndromic hearing loss 12. Review status: criteria provided, single submitter. Criteria: Bournazos AM et al. (Genet Med 2021). Collection method: clinical testing. Allele origin: paternal, maternal, unknown. Inheritance: Autosomal recessive inheritance. Affected: yes and no. Observed: 1 heterozygote, 2 compound heterozygotes.
Comment: Missense variant. Likely pathogenic as it is observed in trans with NM_022124.5:c.1291-1G>A. c.6555G>T variant is predicted to only affect the full length CDH23 isoform (NM_022124).